The following is an entry in ClinVar:

NM_025074.7(FRAS1):c.9690G>A (p.Trp3230Ter)

Gene: FRAS1 (Fraser extracellular matrix complex subunit 1; plus strand). Cytogenetic location: 4q21.21.
Variant type: single nucleotide variant.
Coding change: c.9690G>A on transcript NM_025074.7 (MANE Select); coding-DNA position 9690, G replaced by A.
Protein change: p.Trp3230Ter; replaces tryptophan 3230 with a stop codon.
Molecular consequence: nonsense.
Genome position (GRCh38, 1-based): chr4:78,508,916, G>A. VCF-style: chr4-78508916-G-A. GRCh37 (hg19) VCF-style: chr4-79430070-G-A.
Other names: short protein forms W3230*.
Identifiers: ClinVar variation 2799894 (VCV002799894.3), dbSNP rs769379523, ClinGen allele CA2978729.

ClinVar aggregate classification (germline): Pathogenic (1 of 4 stars; one submission).

Allele frequency attached by ClinVar (database versions not stated): ExAC 0.00001.
gnomAD v4.1: 1 of 1,613,934 alleles (0.000062%); highest among the groups gnomAD compares: Non-Finnish European, 0.000085%; no homozygotes.

Submission:

Labcorp Genetics (formerly Invitae), Labcorp
Classification: Pathogenic. Last evaluated: 2024-03-04. Review status: criteria provided, single submitter. Criteria: Invitae Variant Classification Sherloc (09022015). Collection method: clinical testing. Allele origin: germline.
Comment: This sequence change creates a premature translational stop signal (p.Trp3230*) in the FRAS1 gene. It is expected to result in an absent or disrupted protein product. Loss-of-function variants in FRAS1 are known to be pathogenic (PMID: 12766769, 18671281). This variant is present in population databases (rs769379523, gnomAD 0.0009%). This variant has not been reported in the literature in individuals affected with FRAS1-related conditions. For these reasons, this variant has been classified as Pathogenic.

Literature cited by the submitters: PubMed 12766769; PubMed 18671281.